The following is an entry in ClinVar:

ClinVar aggregate classification (germline): Uncertain significance (1 of 4 stars; one submission).

Allele frequency attached by ClinVar (database versions not stated): gnomAD exomes below 0.00001.
gnomAD v4.1: 3 of 1,613,324 alleles (0.00019%); highest among the groups gnomAD compares: Non-Finnish European, 0.00025%; no homozygotes.

Submission:

Labcorp Genetics (formerly Invitae), Labcorp
Classification: Uncertain significance. Last evaluated: 2022-05-21. Review status: criteria provided, single submitter. Criteria: Invitae Variant Classification Sherloc (09022015). Collection method: clinical testing. Allele origin: germline.
Comment: This variant is not present in population databases (gnomAD no frequency). This sequence change replaces alanine, which is neutral and non-polar, with valine, which is neutral and non-polar, at codon 1252 of the PCLO protein (p.Ala1252Val). In summary, the available evidence is currently insufficient to determine the role of this variant in disease. Therefore, it has been classified as a Variant of Uncertain Significance. Algorithms developed to predict the effect of missense changes on protein structure and function output the following: SIFT: "Tolerated"; PolyPhen-2: "Not Available"; Align-GVGD: "Class C0". The valine amino acid residue is found in multiple mammalian species, which suggests that this missense change does not adversely affect protein function. This variant has not been reported in the literature in individuals affected with PCLO-related conditions.

NM_033026.6(PCLO):c.3755C>T (p.Ala1252Val)

Gene: PCLO (piccolo presynaptic cytomatrix protein; minus strand). Cytogenetic location: 7q21.11.
Variant type: single nucleotide variant.
Coding change: c.3755C>T on transcript NM_033026.6 (MANE Select); coding-DNA position 3755, C replaced by T.
Protein change: p.Ala1252Val; replaces alanine 1252 with valine.
Molecular consequence: missense variant.
Genome position (GRCh38, 1-based): chr7:82,966,033, G>A on the plus strand (C>T on the coding strand, the complement: PCLO is on the minus strand). VCF-style: chr7-82966033-G-A. GRCh37 (hg19) VCF-style: chr7-82595349-G-A.
Other names: c.3755C>T, p.Ala1252Val (NM_014510.3); short protein forms A1252V.
Identifiers: ClinVar variation 1966122 (VCV001966122.5), dbSNP rs765920732, ClinGen allele CA367932193.